The following is an entry in ClinVar:

NM_024642.5(GALNT12):c.749C>T (p.Ser250Leu)

Gene: GALNT12 (polypeptide N-acetylgalactosaminyltransferase 12; plus strand). Cytogenetic location: 9q22.33.
Variant type: single nucleotide variant.
Coding change: c.749C>T on transcript NM_024642.5 (MANE Select); coding-DNA position 749, C replaced by T.
Protein change: p.Ser250Leu; replaces serine 250 with leucine.
Molecular consequence: missense variant.
Genome position (GRCh38, 1-based): chr9:98,831,789, C>T. VCF-style: chr9-98831789-C-T. GRCh37 (hg19) VCF-style: chr9-101594071-C-T.
Other names: short protein forms S250L.
Identifiers: ClinVar variation 944527 (VCV000944527.15), dbSNP rs756936867, ClinGen allele CA5154049.

ClinVar aggregate classification (germline): Uncertain significance. Review status: criteria provided, multiple submitters, no conflicts (2 of 4 stars). 3 submissions from 3 submitters: Uncertain significance (3). Last evaluated 2025-07-09.

Conditions:
Colorectal cancer, susceptibility to, 1. Also called: COLORECTAL ADENOMA AND CANCER, SUSCEPTIBILITY TO; COLORECTAL CANCER, SUSCEPTIBILITY TO, ON CHROMOSOME 9. Identifiers: MedGen C1837315, MONDO:0012132, OMIM 608812.

Allele frequency attached by ClinVar (database versions not stated): gnomAD 0.00002 and 0.00003; TOPMed 0.00002; ExAC 0.00003.

Submissions (3):

Ambry Genetics
Classification: Uncertain significance. Last evaluated: 2025-07-09. Review status: criteria provided, single submitter. Criteria: Ambry Variant Classification Scheme 2023. Collection method: clinical testing. Allele origin: germline.
Comment: The p.S250L variant (also known as c.749C>T), located in coding exon 4 of the GALNT12 gene, results from a C to T substitution at nucleotide position 749. The serine at codon 250 is replaced by leucine, an amino acid with dissimilar properties. This amino acid position is not well conserved in available vertebrate species. In addition, this alteration is predicted to be tolerated by in silico analysis. Since supporting evidence is limited at this time, the clinical significance of this alteration remains unclear.

Labcorp Genetics (formerly Invitae), Labcorp
Classification: Uncertain significance. Last evaluated: 2025-05-19. Review status: criteria provided, single submitter. Criteria: Invitae Variant Classification Sherloc (09022015). Collection method: clinical testing. Allele origin: germline.
Comment: This sequence change replaces serine, which is neutral and polar, with leucine, which is neutral and non-polar, at codon 250 of the GALNT12 protein (p.Ser250Leu). This variant is present in population databases (rs756936867, gnomAD 0.007%). This variant has not been reported in the literature in individuals affected with GALNT12-related conditions. ClinVar contains an entry for this variant (Variation ID: 944527). Invitae Evidence Modeling of protein sequence and biophysical properties (such as structural, functional, and spatial information, amino acid conservation, physicochemical variation, residue mobility, and thermodynamic stability) indicates that this missense variant is not expected to disrupt GALNT12 protein function with a negative predictive value of 80%. In summary, the available evidence is currently insufficient to determine the role of this variant in disease. Therefore, it has been classified as a Variant of Uncertain Significance.

Baylor Genetics
Classification: Uncertain significance for Colorectal cancer, susceptibility to, 1. Last evaluated: 2024-02-16. Review status: criteria provided, single submitter. Criteria: ACMG Guidelines, 2015. Collection method: clinical testing. Allele origin: unknown.